The following is an entry in ClinVar:

ClinVar aggregate classification (germline): Benign/Likely benign. Review status: criteria provided, multiple submitters, no conflicts (2 of 4 stars). 3 submissions from 3 submitters: Benign (1); Likely benign (2). Last evaluated 2025-12-12.

Conditions:
Hereditary cancer-predisposing syndrome. Also called: Tumor predisposition; Hereditary Cancer Syndrome; Hereditary neoplastic syndrome; Neoplastic Syndromes, Hereditary. Identifiers: Orphanet 140162, MedGen C0027672, MeSH D009386, MONDO:0015356.
Familial cancer of breast. Also called: hereditary breast carcinoma; BREAST CANCER, FAMILIAL; Hereditary breast cancer. Identifiers: Orphanet 227535, MedGen C0346153, MONDO:0016419, OMIM 114480. Disease mechanism: loss of function.
Ataxia-telangiectasia syndrome (AT). Also called: Ataxia telangiectasia (A-T); LOUIS-BAR SYNDROME; Cerebello-oculocutaneous telangiectasia; Immunodeficiency with ataxia telangiectasia; ATAXIA-TELANGIECTASIA, COMPLEMENTATION GROUP A; ATAXIA-TELANGIECTASIA, FRESNO VARIANT. Identifiers: Orphanet 100, MedGen C0004135, MONDO:0008840, OMIM 208900.

Allele frequency attached by ClinVar (database versions not stated): gnomAD exomes below 0.00001 and 0.00002; ExAC 0.00001.
gnomAD v4.1: 4 of 1,613,222 alleles (0.00025%); highest among the groups gnomAD compares: Admixed American, 0.0067%; no homozygotes.

Submissions (3):

Labcorp Genetics (formerly Invitae), Labcorp
Classification: Likely benign for Ataxia-telangiectasia syndrome. Last evaluated: 2025-12-12. Review status: criteria provided, single submitter. Criteria: Invitae Variant Classification Sherloc (09022015). Collection method: clinical testing. Allele origin: germline.

Myriad Genetics, Inc.
Classification: Benign for Familial cancer of breast. Last evaluated: 2024-05-23. Review status: criteria provided, single submitter. Criteria: Myriad Autosomal Dominant, Autosomal Recessive and X-Linked Classification Criteria (2023). Collection method: clinical testing. Allele origin: unknown.
Comment: This variant is considered benign. This variant is a silent/synonymous amino acid change and it is not expected to impact splicing.

Ambry Genetics
Classification: Likely benign for Hereditary cancer-predisposing syndrome. Last evaluated: 2015-09-04. Review status: criteria provided, single submitter. Criteria: Ambry Variant Classification Scheme 2023. Collection method: clinical testing. Allele origin: germline.

NM_000051.4(ATM):c.5364C>T (p.Gly1788=)

Gene: ATM (ATM serine/threonine kinase; plus strand). Cytogenetic location: 11q22.3.
Variant type: single nucleotide variant.
Coding change: c.5364C>T on transcript NM_000051.4 (MANE Select); coding-DNA position 5364, C replaced by T.
Protein change: p.Gly1788=; no amino-acid change (glycine 1788 retained).
Molecular consequence: synonymous variant.
Genome position (GRCh38, 1-based): chr11:108,302,897, C>T. VCF-style: chr11-108302897-C-T. GRCh37 (hg19) VCF-style: chr11-108173624-C-T.
Other names: c.5364C>T, p.Gly1788= (NM_001351834.2).
Identifiers: ClinVar variation 233778 (VCV000233778.11), dbSNP rs780134093, ClinGen allele CA6265693.